The following is an entry in ClinVar:

ClinVar aggregate classification (germline): Uncertain significance (1 of 4 stars; one submission).

Conditions:
Cardiovascular phenotype. Identifiers: MedGen CN230736.

Submission:

Ambry Genetics
Classification: Uncertain significance for Cardiovascular phenotype. Last evaluated: 2021-12-18. Review status: criteria provided, single submitter. Criteria: Ambry Variant Classification Scheme 2023. Collection method: clinical testing. Allele origin: germline.
Comment: The p.Q2555P variant (also known as c.7664A>C), located in coding exon 21 of the TNXB gene, results from an A to C substitution at nucleotide position 7664. The glutamine at codon 2555 is replaced by proline, an amino acid with similar properties. This amino acid position is conserved. In addition, the in silico prediction for this alteration is inconclusive. Since supporting evidence is limited at this time, the clinical significance of this alteration remains unclear.

NM_001365276.2(TNXB):c.7664A>C (p.Gln2555Pro)

Gene: TNXB (tenascin XB; minus strand). Cytogenetic location: 6p21.33.
Variant type: single nucleotide variant.
Coding change: c.7664A>C on transcript NM_001365276.2 (MANE Select); coding-DNA position 7664, A replaced by C.
Protein change: p.Gln2555Pro; replaces glutamine 2555 with proline.
Molecular consequence: missense variant.
Genome position (GRCh38, 1-based): chr6:32,058,219, T>G on the plus strand (A>C on the coding strand, the complement: TNXB is on the minus strand). VCF-style: chr6-32058219-T-G. GRCh37 (hg19) VCF-style: chr6-32025996-T-G.
Other names: c.7664A>C, p.Gln2555Pro (NM_019105.8); short protein forms Q2555P.
Identifiers: ClinVar variation 1760044 (VCV001760044.2), dbSNP rs2483486325, ClinGen allele CA363551355.
Genomic context (GRCh38, chr6:32,058,219, plus strand): 5'-ACCTTGCTCTCCTGGCCCCCAACACGCACCGCCTGGGGCCGCCCGTCCCTGTCCTTGTAC[T>G]GCACGGTGAAGGAGTCAAAGCGGCCCTGGGGGACGGTCCAGGAAAGGCTCAGCGAGTCAG-3'
Protein context (NP_001352205.1, residues 2545-2565): PQGRFDSFTV[Gln2555Pro]YKDRDGRPQA